The following is an entry in ClinVar:

ClinVar aggregate classification (germline): Uncertain significance (1 of 4 stars; one submission).

Conditions:
Cardiovascular phenotype. Identifiers: MedGen CN230736.

gnomAD v4.1: 1 of 1,612,788 alleles (0.000062%); highest among the groups gnomAD compares: Non-Finnish European, 0.000085%; no homozygotes.

Submission:

Ambry Genetics
Classification: Uncertain significance for Cardiovascular phenotype. Last evaluated: 2026-07-06. Review status: criteria provided, single submitter. Criteria: Ambry Variant Classification Scheme 2023. Collection method: clinical testing. Allele origin: germline.
Comment: The p.S55F variant (also known as c.164C>T), located in coding exon 2 of the PRKAG2 gene, results from a C to T substitution at nucleotide position 164. The serine at codon 55 is replaced by phenylalanine, an amino acid with highly dissimilar properties. This amino acid position is conserved. In addition, this alteration is predicted to be tolerated by in silico analysis. Based on the available evidence, the clinical significance of this variant remains unclear.

NM_016203.4(PRKAG2):c.164C>T (p.Ser55Phe)

Gene: PRKAG2 (protein kinase AMP-activated non-catalytic subunit gamma 2; minus strand). Cytogenetic location: 7q36.1.
Variant type: single nucleotide variant.
Coding change: c.164C>T on transcript NM_016203.4 (MANE Select); coding-DNA position 164, C replaced by T.
Protein change: p.Ser55Phe; replaces serine 55 with phenylalanine.
Molecular consequence: missense variant. On other transcripts: intron variant (1).
Genome position (GRCh38, 1-based): chr7:151,786,492, G>A on the plus strand (C>T on the coding strand, the complement: PRKAG2 is on the minus strand). VCF-style: chr7-151786492-G-A. GRCh37 (hg19) VCF-style: chr7-151483578-G-A.
Other names: c.32C>T, p.Ser11Phe (NM_001407027.1, NM_001407033.1, NM_001040633.2 and 2 more transcripts); c.164C>T, p.Ser55Phe (NM_001407030.1, NM_001407031.1, NM_001407021.1 and 2 more transcripts); c.148+27924C>T (NM_001407032.1); short protein forms S11F, S55F.
Identifiers: ClinVar variation 5027276 (VCV005027276.1).